The following is an entry in ClinVar:

NM_001846.4(COL4A2):c.164C>T (p.Pro55Leu)

Gene: COL4A2 (collagen type IV alpha 2 chain; plus strand). Cytogenetic location: 13q34.
Variant type: single nucleotide variant.
Coding change: c.164C>T on transcript NM_001846.4 (MANE Select); coding-DNA position 164, C replaced by T.
Protein change: p.Pro55Leu; replaces proline 55 with leucine.
Molecular consequence: missense variant.
Genome position (GRCh38, 1-based): chr13:110,357,536, C>T. VCF-style: chr13-110357536-C-T. GRCh37 (hg19) VCF-style: chr13-111009883-C-T.
Other names: short protein forms P55L.
Identifiers: ClinVar variation 1316739 (VCV001316739.3), dbSNP rs1011806709, ClinGen allele CA256265688.
Genomic context (GRCh38, chr13:110,357,536, plus strand): 5'-TGAAGAAGTTTGATGTGCCGTGTGGAGGAAGAGATTGCAGTGGGGGCTGCCAGTGCTACC[C>T]TGAGAAAGGTGGACGTGTAAGTCACAGCATTGCAATAAATAATATTATCTTCCTCATACA-3'
Protein context (NP_001837.2, residues 45-65): RDCSGGCQCY[Pro55Leu]EKGGRGQPGP

ClinVar aggregate classification (germline): Uncertain significance. Review status: criteria provided, multiple submitters, no conflicts (2 of 4 stars). 2 submissions from 2 submitters: Uncertain significance (2). Last evaluated 2023-11-06.

Conditions:
Inborn genetic diseases. Identifiers: MedGen C0950123, MeSH D030342.

Allele frequency attached by ClinVar (database versions not stated): gnomAD exomes 0.00001; TOPMed 0.00002; gnomAD 0.00003.
gnomAD v4.1: 19 of 1,586,086 alleles (0.0012%); highest among the groups gnomAD compares: African/African-American, 0.0054%; no homozygotes.

Submissions (2):

Ambry Genetics
Classification: Uncertain significance for Inborn genetic diseases. Last evaluated: 2023-11-06. Review status: criteria provided, single submitter. Criteria: Ambry Variant Classification Scheme 2023. Collection method: clinical testing. Allele origin: germline.

GeneDx
Classification: Uncertain significance. Last evaluated: 2020-01-30. Review status: criteria provided, single submitter. Criteria: GeneDx Variant Classification Process June 2021. Collection method: clinical testing. Allele origin: germline. Affected: yes.
Comment: Has not been previously published as pathogenic or benign to our knowledge; In silico analysis, which includes protein predictors and evolutionary conservation, supports a deleterious effect